The following is an entry in ClinVar:

ClinVar aggregate classification (germline): Uncertain significance (1 of 4 stars; one submission).

Conditions:
Inborn genetic diseases. Identifiers: MedGen C0950123, MeSH D030342.

Allele frequency attached by ClinVar (database versions not stated): TOPMed 0.00001; gnomAD exomes 0.00001; ExAC 0.00001.
gnomAD v4.1: 10 of 1,614,106 alleles (0.00062%); highest among the groups gnomAD compares: South Asian, 0.0022%; no homozygotes.

Submission:

Ambry Genetics
Classification: Uncertain significance for Inborn genetic diseases. Last evaluated: 2025-11-30. Review status: criteria provided, single submitter. Criteria: Ambry Variant Classification Scheme 2023. Collection method: clinical testing. Allele origin: germline.
Comment: The p.L1048F variant (also known as c.3142C>T), located in coding exon 23 of the BUB1B gene, results from a C to T substitution at nucleotide position 3142. The leucine at codon 1048 is replaced by phenylalanine, an amino acid with highly similar properties. This amino acid position is conserved. In addition, this alteration is predicted to be tolerated by in silico analysis. Since supporting evidence is limited at this time, the clinical significance of this alteration remains unclear.

NM_001211.6(BUB1B):c.3142C>T (p.Leu1048Phe)

Genes: BUB1B (BUB1 mitotic checkpoint serine/threonine kinase B; plus strand), BUB1B-PAK6 (BUB1B-PAK6 readthrough; plus strand). Cytogenetic location: 15q15.1.
Variant type: single nucleotide variant.
Coding change: c.3142C>T on transcript NM_001211.6 (MANE Select); coding-DNA position 3142, C replaced by T.
Protein change: p.Leu1048Phe; replaces leucine 1048 with phenylalanine.
Molecular consequence: missense variant. On other transcripts: intron variant (2).
Genome position (GRCh38, 1-based): chr15:40,220,748, C>T. VCF-style: chr15-40220748-C-T. GRCh37 (hg19) VCF-style: chr15-40512949-C-T.
Other names: c.-201+3081C>T (NM_001128628.3); c.-118+3081C>T (NM_001128629.3); short protein forms L1048F.
Identifiers: ClinVar variation 1728106 (VCV001728106.4), dbSNP rs766555413, ClinGen allele CA7476202.
Genomic context (GRCh38, chr15:40,220,748, plus strand): 5'-CAAAGTCACCTGAACAAAGCCTTATGGAAGGTAGGGAAGTTAACTAGTCCTGGGGCTTTG[C>T]TCTTTCAGTGAGCTAGGCAATCAAGTCTCACAGATTGCTGCCTCAGAGCAATGGTTGTAT-3'
Protein context (NP_001202.5, residues 1038-1050): VGKLTSPGAL[Leu1048Phe]FQ